The following is an entry in ClinVar:

ClinVar aggregate classification (germline): Uncertain significance. Review status: criteria provided, multiple submitters, no conflicts (2 of 4 stars). 2 submissions from 2 submitters: Uncertain significance (2). Last evaluated 2019-10-10.

Conditions:
Coffin-Siris syndrome 1 (CSS1). Also called: Mental retardation, autosomal dominant 12; ARID1B-Related Coffin-Siris Syndrome. Identifiers: Orphanet 1465, MedGen C3281201, MONDO:0007617, OMIM 135900. Disease mechanism: gain of function.
Nicolaides-Baraitser syndrome (NCBRS). Also called: SMARCA2-Related Nicolaides-Baraitser Syndrome; Intellectual disability-sparse hair-brachydactyly syndrome. Identifiers: Orphanet 3051, MedGen C1303073, MONDO:0011053, OMIM 601358.

Allele frequency attached by ClinVar (database versions not stated): TOPMed below 0.00001.

Submissions (2):

GeneDx
Classification: Uncertain significance. Last evaluated: 2019-10-10. Review status: criteria provided, single submitter. Criteria: GeneDx Variant Classification Process June 2021. Collection method: clinical testing. Allele origin: germline. Affected: yes.
Comment: Not observed in large population cohorts (Lek et al., 2016); In silico analysis, which includes protein predictors and evolutionary conservation, supports a deleterious effect; Has not been previously published as pathogenic or benign to our knowledge; This variant is associated with the following publications: (PMID: 25724810, 22426309, 22426308, 22366787)

Geisinger Autism and Developmental Medicine Institute, Geisinger Health System
Classification: Uncertain significance for Nicolaides-Baraitser syndrome; Coffin-Siris syndrome 1. Last evaluated: 2017-11-08. Review status: criteria provided, single submitter. Criteria: ACMG Guidelines, 2015. Collection method: provider interpretation, clinical testing. Allele origin: unknown. Observed: 1 variant allele.
Comment: Inheritance is currently unknown as her father is unavailable to provide a sample; The p.Ala414Thr variant is absent from population databases and has not been reported previously in affected individuals, to our knowledge. Computational models predict the variant to be probably damaging. The variant is currently considered to be of uncertain significance.

Literature cited by the submitters: PubMed 22366787 (cited by Geisinger Autism and Developmental Medicine Institute, Geisinger Health System); PubMed 25724810 (cited by Geisinger Autism and Developmental Medicine Institute, Geisinger Health System); PubMed 22426308 (cited by Geisinger Autism and Developmental Medicine Institute, Geisinger Health System); PubMed 22426309 (cited by Geisinger Autism and Developmental Medicine Institute, Geisinger Health System).

NM_003070.5(SMARCA2):c.1240G>A (p.Ala414Thr)

Gene: SMARCA2 (SWI/SNF related BAF chromatin remodeling complex subunit ATPase 2; plus strand). Cytogenetic location: 9p24.3.
Variant type: single nucleotide variant.
Coding change: c.1240G>A on transcript NM_003070.5 (MANE Select); coding-DNA position 1240, G replaced by A.
Protein change: p.Ala414Thr; replaces alanine 414 with threonine.
Molecular consequence: missense variant.
Genome position (GRCh38, 1-based): chr9:2,056,738, G>A. VCF-style: chr9-2056738-G-A. GRCh37 (hg19) VCF-style: chr9-2056738-G-A.
Other names: c.1240G>A, p.Ala414Thr (NM_001289396.2, NM_001289397.2, NM_139045.4); short protein forms A414T.
Identifiers: ClinVar variation 451242 (VCV000451242.5), dbSNP rs1554618664, ClinGen allele CA372781674.